The following is an entry in ClinVar:

ClinVar aggregate classification (germline): Benign (1 of 4 stars; one submission).

Allele frequency attached by ClinVar (database versions not stated): gnomAD 0.78304 and 0.78656; TOPMed 0.79194; 1000 Genomes Project 0.79752; 1000 Genomes Project 30x 0.80169.
gnomAD v4.1: 117,409 of 150,188 alleles (78%); highest among the groups gnomAD compares: African/African-American, 93%; 46,645 homozygotes.

Submission:

GeneDx
Classification: Benign. Last evaluated: 2018-06-14. Review status: criteria provided, single submitter. Criteria: GeneDx Variant Classification (06012015). Collection method: clinical testing. Allele origin: germline. Affected: yes.
Comment: This variant is considered likely benign or benign based on one or more of the following criteria: it is a conservative change, it occurs at a poorly conserved position in the protein, it is predicted to be benign by multiple in silico algorithms, and/or has population frequency not consistent with disease.

NM_014141.6(CNTNAP2):c.1670+168T>G

Gene: CNTNAP2 (contactin associated protein 2; plus strand). Cytogenetic location: 7q35.
Variant type: single nucleotide variant.
Coding change: c.1670+168T>G on transcript NM_014141.6 (MANE Select); 168 bases into the intron after coding-DNA position 1670, T replaced by G.
Molecular consequence: intron variant.
Genome position (GRCh38, 1-based): chr7:147,395,948, T>G. VCF-style: chr7-147395948-T-G. GRCh37 (hg19) VCF-style: chr7-147093040-T-G.
Identifiers: ClinVar variation 679167 (VCV000679167.1), dbSNP rs700309, ClinGen allele CA12575112.